The following is an entry in ClinVar:

NM_145886.4(PIDD1):c.501G>A (p.Leu167=)

Gene: PIDD1 (p53-induced death domain protein 1; minus strand). Cytogenetic location: 11p15.5.
Variant type: single nucleotide variant.
Coding change: c.501G>A on transcript NM_145886.4 (MANE Select); coding-DNA position 501, G replaced by A.
Protein change: p.Leu167=; no amino-acid change (leucine 167 retained).
Molecular consequence: synonymous variant.
Genome position (GRCh38, 1-based): chr11:803,382, C>T on the plus strand (G>A on the coding strand, the complement: PIDD1 is on the minus strand). VCF-style: chr11-803382-C-T. GRCh37 (hg19) VCF-style: chr11-803382-C-T.
Other names: c.501G>A, p.Leu167= (NM_145887.4).
Identifiers: ClinVar variation 3027113 (VCV003027113.22), dbSNP rs2495405848, ClinGen allele CA472440604.
Genomic context (GRCh38, chr11:803,382, plus strand): 5'-GGGCAGCGTCTGCAGGCGGTTGTGTGTCACTGTGAGGAAGGTGAGGGCGGGGAGGGCCCC[C>T]AGAGCCTCAGGCAGCTCAGAGAGGCAGTTGTGAGACAGCAAGAGCGCACCCAGACCTCGC-3'
Protein context (NP_665893.2, residues 157-177): HNCLSELPEA[Leu167=]GALPALTFLT

ClinVar aggregate classification (germline): Likely benign (1 of 4 stars; one submission).

Allele frequency attached by ClinVar (database versions not stated): gnomAD exomes below 0.00001.
gnomAD v4.1: 1 of 1,613,998 alleles (0.000062%); highest among the groups gnomAD compares: Non-Finnish European, 0.000085%; no homozygotes.

Submission:

CeGaT Center for Human Genetics Tuebingen
Classification: Likely benign. Last evaluated: 2024-02-01. Review status: criteria provided, single submitter. Criteria: CeGaT Center For Human Genetics Tuebingen Variant Classification Criteria Version 2. Collection method: clinical testing. Allele origin: germline. Affected: yes. Observed: 1 variant allele.
Comment: PIDD1: PM2:Supporting, BP4, BP7